The following is an entry in ClinVar:

ClinVar aggregate classification (germline): Conflicting classifications of pathogenicity. Review status: criteria provided, conflicting classifications (1 of 4 stars). 2 submissions from 2 submitters: Uncertain significance (1); Likely benign (1). Last evaluated 2026-06-03.

Conditions:
Cardiovascular phenotype. Identifiers: MedGen CN230736.
Hereditary cancer-predisposing syndrome. Also called: Neoplastic Syndromes, Hereditary; Tumor predisposition; Hereditary Cancer Syndrome; Hereditary neoplastic syndrome. Identifiers: Orphanet 140162, MedGen C0027672, MeSH D009386, MONDO:0015356.
Neurofibromatosis, type 1 (NF1). Also called: VON RECKLINGHAUSEN DISEASE; NEUROFIBROMATOSIS, TYPE I, SOMATIC; Peripheral type neurofibromatosis; Neurofibromatosis, type I. Identifiers: Orphanet 636, MedGen C0027831, MONDO:0018975, OMIM 162200. Disease mechanism: loss of function.

Submissions (2):

Ambry Genetics
Classification: Likely benign for Cardiovascular phenotype; Hereditary cancer-predisposing syndrome. Last evaluated: 2026-06-03. Review status: criteria provided, single submitter. Criteria: Ambry Variant Classification Scheme 2023. Collection method: clinical testing. Allele origin: germline.

Labcorp Genetics (formerly Invitae), Labcorp
Classification: Uncertain significance for Neurofibromatosis, type 1. Last evaluated: 2025-01-11. Review status: criteria provided, single submitter. Criteria: Invitae Variant Classification Sherloc (09022015). Collection method: clinical testing. Allele origin: germline.
Comment: This sequence change replaces isoleucine, which is neutral and non-polar, with valine, which is neutral and non-polar, at codon 2329 of the NF1 protein (p.Ile2329Val). This variant is not present in population databases (gnomAD no frequency). This variant has not been reported in the literature in individuals affected with NF1-related conditions. ClinVar contains an entry for this variant (Variation ID: 2070895). Invitae Evidence Modeling of protein sequence and biophysical properties (such as structural, functional, and spatial information, amino acid conservation, physicochemical variation, residue mobility, and thermodynamic stability) indicates that this missense variant is not expected to disrupt NF1 protein function with a negative predictive value of 95%. In summary, the available evidence is currently insufficient to determine the role of this variant in disease. Therefore, it has been classified as a Variant of Uncertain Significance.

NM_001042492.3(NF1):c.7048A>G (p.Ile2350Val)

Gene: NF1 (neurofibromin 1; plus strand). Cytogenetic location: 17q11.2.
Variant type: single nucleotide variant.
Coding change: c.7048A>G on transcript NM_001042492.3 (MANE Select); coding-DNA position 7048, A replaced by G.
Protein change: p.Ile2350Val; replaces isoleucine 2350 with valine.
Molecular consequence: missense variant.
Genome position (GRCh38, 1-based): chr17:31,340,631, A>G. VCF-style: chr17-31340631-A-G. GRCh37 (hg19) VCF-style: chr17-29667649-A-G.
Other names: c.6985A>G, p.Ile2329Val (NM_000267.4); short protein forms I2329V, I2350V.
Identifiers: ClinVar variation 2070895 (VCV002070895.7), dbSNP rs1381254564, ClinGen allele CA399015202.